The following is an entry in ClinVar:

NM_005559.4(LAMA1):c.3168C>T (p.Cys1056=)

Gene: LAMA1 (laminin subunit alpha 1; minus strand). Cytogenetic location: 18p11.31.
Variant type: single nucleotide variant.
Coding change: c.3168C>T on transcript NM_005559.4 (MANE Select); coding-DNA position 3168, C replaced by T.
Protein change: p.Cys1056=; no amino-acid change (cysteine 1056 retained).
Molecular consequence: synonymous variant.
Genome position (GRCh38, 1-based): chr18:7,014,010, G>A on the plus strand (C>T on the coding strand, the complement: LAMA1 is on the minus strand). VCF-style: chr18-7014010-G-A. GRCh37 (hg19) VCF-style: chr18-7014009-G-A.
Other names: p.Cys1056=.
Identifiers: ClinVar variation 799401 (VCV000799401.12), dbSNP rs147111783, ClinGen allele CA8882367.

ClinVar aggregate classification (germline): Likely benign. Review status: criteria provided, multiple submitters, no conflicts (2 of 4 stars). 3 submissions from 3 submitters: Likely benign (3). Last evaluated 2025-09-07.

Allele frequency attached by ClinVar (database versions not stated): gnomAD exomes 0.00004 and 0.00010; ExAC 0.00014; 1000 Genomes Project 30x 0.00016; 1000 Genomes Project 0.00020; gnomAD 0.00021 and 0.00024; TOPMed 0.00023; ESP Exome Variant Server 0.00046.
gnomAD v4.1: 92 of 1,613,834 alleles (0.0057%); highest among the groups gnomAD compares: African/African-American, 0.088%; no homozygotes.

Submissions (3):

Labcorp Genetics (formerly Invitae), Labcorp
Classification: Likely benign. Last evaluated: 2025-09-07. Review status: criteria provided, single submitter. Criteria: Invitae Variant Classification Sherloc (09022015). Collection method: clinical testing. Allele origin: germline.

Mayo Clinic Laboratories, Mayo Clinic
Classification: Likely benign. Last evaluated: 2025-02-25. Review status: criteria provided, single submitter. Criteria: ACMG Guidelines, 2015. Collection method: clinical testing. Allele origin: germline. Observed: 1 variant allele.
Comment: BP4, BP7

Blueprint Genetics
Classification: Likely benign. Last evaluated: 2023-01-26. Review status: criteria provided, single submitter. Criteria: ACMG Guidelines, 2015. Collection method: clinical testing. Allele origin: germline.